The following is an entry in ClinVar:

ClinVar aggregate classification (germline): Uncertain significance (1 of 4 stars; one submission).

Conditions:
Hypertrophic cardiomyopathy 26. Also called: Cardiomyopathy, familial hypertrophic, 26. Identifiers: Orphanet 75249, MedGen C4310749, MONDO:0014883, OMIM 617047.
Myofibrillar myopathy 5. Also called: Filaminopathy (type); FILAMINOPATHY, AUTOSOMAL DOMINANT. Identifiers: Orphanet 171445, MedGen C1836050, MONDO:0012289, OMIM 609524.
Distal myopathy with posterior leg and anterior hand involvement. Also called: WILLIAMS DISTAL MYOPATHY. Identifiers: Orphanet 63273, MedGen C3279722, MONDO:0013550, OMIM 614065.

gnomAD v4.1: 1 of 1,612,786 alleles (0.000062%); highest among the groups gnomAD compares: Non-Finnish European, 0.000085%; no homozygotes.

Submission:

Labcorp Genetics (formerly Invitae), Labcorp
Classification: Uncertain significance for Distal myopathy with posterior leg and anterior hand involvement; Myofibrillar myopathy 5; Hypertrophic cardiomyopathy 26. Last evaluated: 2025-08-26. Review status: criteria provided, single submitter. Criteria: Invitae Variant Classification Sherloc (09022015). Collection method: clinical testing. Allele origin: germline.
Comment: This sequence change replaces aspartic acid, which is acidic and polar, with glutamic acid, which is acidic and polar, at codon 16 of the FLNC protein (p.Asp16Glu). This variant is not present in population databases (gnomAD no frequency). This variant has not been reported in the literature in individuals affected with FLNC-related conditions. An algorithm developed to predict the effect of missense changes on protein structure and function outputs the following: PolyPhen-2: "Benign". The glutamic acid amino acid residue is found in multiple mammalian species, which suggests that this missense change does not adversely affect protein function. In summary, the available evidence is currently insufficient to determine the role of this variant in disease. Therefore, it has been classified as a Variant of Uncertain Significance.

NM_001458.5(FLNC):c.48T>A (p.Asp16Glu)

Gene: FLNC (filamin C; plus strand). Cytogenetic location: 7q32.1.
Variant type: single nucleotide variant.
Coding change: c.48T>A on transcript NM_001458.5 (MANE Select); coding-DNA position 48, T replaced by A.
Protein change: p.Asp16Glu; replaces aspartic acid 16 with glutamic acid.
Molecular consequence: missense variant.
Genome position (GRCh38, 1-based): chr7:128,830,685, T>A. VCF-style: chr7-128830685-T-A. GRCh37 (hg19) VCF-style: chr7-128470739-T-A.
Other names: c.48T>A, p.Asp16Glu (NM_001127487.2); short protein forms D16E.
Identifiers: ClinVar variation 4812523 (VCV004812523.1).
Genomic context (GRCh38, chr7:128,830,685, plus strand): 5'-AGCCCGCGCCAGCATGATGAACAACAGCGGCTACTCAGACGCCGGCCTCGGCCTGGGCGA[T>A]GAGACAGACGAGATGCCGTCCACGGAGAAGGACCTGGCGGAGGACGCGCCGTGGAAGAAG-3'
Protein context (NP_001449.3, residues 6-26): GYSDAGLGLG[Asp16Glu]ETDEMPSTEK